The following is an entry in ClinVar:

ClinVar aggregate classification (germline): Uncertain significance (1 of 4 stars; one submission).

Submission:

GeneDx
Classification: Uncertain significance. Last evaluated: 2024-09-02. Review status: criteria provided, single submitter. Criteria: GeneDx Variant Classification Process June 2021. Collection method: clinical testing. Allele origin: germline. Affected: yes.
Comment: In silico analysis supports that this missense variant has a deleterious effect on protein structure/function; Not observed at significant frequency in large population cohorts (gnomAD); Has not been previously published as pathogenic or benign to our knowledge; Variants in candidate genes are classified as variants of uncertain significance in accordance with ACMG guidelines (PMID: 25741868)

NM_000808.4(GABRA3):c.881A>C (p.Gln294Pro)

Gene: GABRA3 (gamma-aminobutyric acid type A receptor subunit alpha3; minus strand). Cytogenetic location: Xq28.
Variant type: single nucleotide variant.
Coding change: c.881A>C on transcript NM_000808.4 (MANE Select); coding-DNA position 881, A replaced by C.
Protein change: p.Gln294Pro; replaces glutamine 294 with proline.
Molecular consequence: missense variant.
Genome position (GRCh38, 1-based): chrX:152,197,683, T>G on the plus strand (A>C on the coding strand, the complement: GABRA3 is on the minus strand). VCF-style: chrX-152197683-T-G. GRCh37 (hg19) VCF-style: chrX-151366155-T-G.
Other names: short protein forms Q294P.
Identifiers: ClinVar variation 4532383 (VCV004532383.1).
Genomic context (GRCh38, chrX:152,197,683, plus strand): 5'-TATCACTCACCAAAGACTGTACGGGCAGGAACAGACTCTCTGTTGAGCCAGAACGACACT[T>G]GTGACAGAATGACAGTCATGATACATGGCAAGTAGGTCTGGATCACAAAGTAGCCAATTT-3'
Protein context (NP_000799.1, residues 284-304): LPCIMTVILS[Gln294Pro]VSFWLNRESV